The following is an entry in ClinVar:

ClinVar aggregate classification (germline): Pathogenic (1 of 4 stars; one submission).

Conditions:
Niemann-Pick disease, type C1. Also called: NIEMANN-PICK DISEASE, VARIANT TYPE C1; NEUROVISCERAL STORAGE DISEASE WITH VERTICAL SUPRANUCLEAR OPHTHALMOPLEGIA; NIEMANN-PICK DISEASE WITH CHOLESTEROL ESTERIFICATION BLOCK; NIEMANN-PICK DISEASE WITHOUT SPHINGOMYELINASE DEFICIENCY; NIEMANN-PICK DISEASE, CHRONIC NEURONOPATHIC FORM. Identifiers: Orphanet 646, MedGen C3179455, MONDO:0009757, OMIM 257220.

Submission:

Labcorp Genetics (formerly Invitae), Labcorp
Classification: Pathogenic for Niemann-Pick disease, type C1. Last evaluated: 2021-12-27. Review status: criteria provided, single submitter. Criteria: Invitae Variant Classification Sherloc (09022015). Collection method: clinical testing. Allele origin: germline.
Comment: For these reasons, this variant has been classified as Pathogenic. This variant has not been reported in the literature in individuals affected with NPC1-related conditions. This variant is not present in population databases (gnomAD no frequency). This sequence change creates a premature translational stop signal (p.Pro1009Leufs*13) in the NPC1 gene. It is expected to result in an absent or disrupted protein product. Loss-of-function variants in NPC1 are known to be pathogenic (PMID: 9211850).

Literature cited by the submitters: PubMed 9211850.

NM_000271.5(NPC1):c.3025_3026insTAAC (p.Pro1009fs)

Gene: NPC1 (NPC intracellular cholesterol transporter 1; minus strand). Cytogenetic location: 18q11.2.
Variant type: Insertion.
Coding change: c.3025_3026insTAAC on transcript NM_000271.5 (MANE Select); coding-DNA positions 3025 to 3026, TAAC inserted.
Protein change: p.Pro1009fs; shifts the reading frame from proline 1009.
Molecular consequence: frameshift variant.
Genome position: GRCh38 VCF-style: chr18-23538557-G-GGTTA. GRCh37 (hg19) VCF-style: chr18-21118521-G-GGTTA.
Other names: short protein forms P1009fs.
Identifiers: ClinVar variation 1451363 (VCV001451363.6), dbSNP rs1352485089, ClinGen allele CA777718519.